The following is an entry in ClinVar:

ClinVar aggregate classification (germline): Uncertain significance (0 of 4 stars; one submission).

Conditions:
PLXNA2-related disorder. Also called: PLXNA2-related condition.

Submission:

PreventionGenetics, part of Exact Sciences
Classification: Uncertain significance for PLXNA2-related condition. Last evaluated: 2023-11-01. Review status: no assertion criteria provided. Collection method: clinical testing. Allele origin: germline.
Comment: The PLXNA2 c.2494T>C variant is predicted to result in the amino acid substitution p.Cys832Arg. To our knowledge, this variant has not been reported in the literature or in a large population database, indicating this variant is rare. At this time, the clinical significance of this variant is uncertain due to the absence of conclusive functional and genetic evidence.

NM_025179.4(PLXNA2):c.2494T>C (p.Cys832Arg)

Gene: PLXNA2 (plexin A2; minus strand). Cytogenetic location: 1q32.2.
Variant type: single nucleotide variant.
Coding change: c.2494T>C on transcript NM_025179.4 (MANE Select); coding-DNA position 2494, T replaced by C.
Protein change: p.Cys832Arg; replaces cysteine 832 with arginine.
Molecular consequence: missense variant.
Genome position (GRCh38, 1-based): chr1:208,079,352, A>G on the plus strand (T>C on the coding strand, the complement: PLXNA2 is on the minus strand). VCF-style: chr1-208079352-A-G. GRCh37 (hg19) VCF-style: chr1-208252697-A-G.
Other names: short protein forms C832R.
Identifiers: ClinVar variation 3348501 (VCV003348501.1).